The following is an entry in ClinVar:

ClinVar aggregate classification (germline): Uncertain significance. Review status: criteria provided, multiple submitters, no conflicts (2 of 4 stars). 3 submissions from 3 submitters: Uncertain significance (3). Last evaluated 2024-09-24.

Conditions:
Cardiovascular phenotype. Identifiers: MedGen CN230736.
Distal myopathy with posterior leg and anterior hand involvement. Also called: WILLIAMS DISTAL MYOPATHY. Identifiers: Orphanet 63273, MedGen C3279722, MONDO:0013550, OMIM 614065.
Myofibrillar myopathy 5. Also called: Filaminopathy (type); FILAMINOPATHY, AUTOSOMAL DOMINANT. Identifiers: Orphanet 171445, MedGen C1836050, MONDO:0012289, OMIM 609524.
Hypertrophic cardiomyopathy 26. Also called: Cardiomyopathy, familial hypertrophic, 26. Identifiers: Orphanet 75249, MedGen C4310749, MONDO:0014883, OMIM 617047.

Submissions (3):

Ambry Genetics
Classification: Uncertain significance for Cardiovascular phenotype. Last evaluated: 2024-09-24. Review status: criteria provided, single submitter. Criteria: Ambry Variant Classification Scheme 2023. Collection method: clinical testing. Allele origin: germline.
Comment: The p.I2003N variant (also known as c.6008T>A), located in coding exon 37 of the FLNC gene, results from a T to A substitution at nucleotide position 6008. The isoleucine at codon 2003 is replaced by asparagine, an amino acid with dissimilar properties. This amino acid position is conserved. In addition, the in silico prediction for this alteration is inconclusive. Based on the available evidence, the clinical significance of this variant remains unclear.

Labcorp Genetics (formerly Invitae), Labcorp
Classification: Uncertain significance for Distal myopathy with posterior leg and anterior hand involvement; Myofibrillar myopathy 5; Hypertrophic cardiomyopathy 26. Last evaluated: 2022-10-03. Review status: criteria provided, single submitter. Criteria: Invitae Variant Classification Sherloc (09022015). Collection method: clinical testing. Allele origin: germline.
Comment: In summary, the available evidence is currently insufficient to determine the role of this variant in disease. Therefore, it has been classified as a Variant of Uncertain Significance. Advanced modeling of protein sequence and biophysical properties (such as structural, functional, and spatial information, amino acid conservation, physicochemical variation, residue mobility, and thermodynamic stability) has been performed at Invitae for this missense variant, however the output from this modeling did not meet the statistical confidence thresholds required to predict the impact of this variant on FLNC protein function. This variant has not been reported in the literature in individuals affected with FLNC-related conditions. This variant is not present in population databases (gnomAD no frequency). This sequence change replaces isoleucine, which is neutral and non-polar, with asparagine, which is neutral and polar, at codon 2003 of the FLNC protein (p.Ile2003Asn).

Blueprint Genetics
Classification: Uncertain significance. Last evaluated: 2018-07-26. Review status: criteria provided, single submitter. Criteria: ACMG Guidelines, 2015. Collection method: clinical testing. Allele origin: germline.

NM_001458.5(FLNC):c.6008T>A (p.Ile2003Asn)

Genes: FLNC (filamin C; plus strand), FLNC-AS1 (FLNC antisense RNA 1; minus strand). Cytogenetic location: 7q32.1.
Variant type: single nucleotide variant.
Coding change: c.6008T>A on transcript NM_001458.5 (MANE Select); coding-DNA position 6008, T replaced by A.
Protein change: p.Ile2003Asn; replaces isoleucine 2003 with asparagine.
Molecular consequence: missense variant.
Genome position (GRCh38, 1-based): chr7:128,852,831, T>A. VCF-style: chr7-128852831-T-A. GRCh37 (hg19) VCF-style: chr7-128492885-T-A.
Other names: c.5909T>A, p.Ile1970Asn (NM_001127487.2); short protein forms I1970N, I2003N.
Identifiers: ClinVar variation 1720851 (VCV001720851.8), dbSNP rs1394979793, ClinGen allele CA369210875.
Genomic context (GRCh38, chr7:128,852,831, plus strand): 5'-GGGGACCTCAGGGGTGGGGGCCCACAGGATGCTCTGCCTAACACCCACTTTCCACAGGGA[T>A]CTCCTTCACCCCCAAGGAGGTCGGGGAGCACGTGGTGAGCGTGCGCAAGAGTGGCAAGCA-3'
Protein context (NP_001449.3, residues 1993-2013): LKRLPNRHIG[Ile2003Asn]SFTPKEVGEH